The following is an entry in ClinVar:

NM_001127511.3(APC):c.165+17G>A

Gene: APC (APC regulator of Wnt signaling pathway; plus strand). Cytogenetic location: 5q22.2.
Variant type: single nucleotide variant.
Coding change: c.165+17G>A on transcript NM_001127511.3; 17 bases into the intron after coding-DNA position 165, G replaced by A.
Molecular consequence: intron variant.
Genome position (GRCh38, 1-based): chr5:112,707,899, G>A. VCF-style: chr5-112707899-G-A. GRCh37 (hg19) VCF-style: chr5-112043596-G-A.
Other names: c.-1054+17G>A (NM_001407470.1, NM_001407472.1); c.-19+17G>A (NM_001407447.1, NM_001354895.2, NM_001407456.1 and 3 more transcripts); c.165+17G>A (NM_001407446.1, NM_001354897.2, NM_001354902.2); c.-19+250G>A (NM_001407448.1, NM_001407450.1, NM_001407457.1 and 1 more transcripts); c.-43+250G>A (NM_001407453.1).
Identifiers: ClinVar variation 469786 (VCV000469786.12), dbSNP rs1057517556, ClinGen allele CA658655905.
Genomic context (GRCh38, chr5:112,707,899, plus strand): 5'-CGGGCGGCGCTCGTACTTCTGGCCACTGGGCGAGCGTCTGGCAGGTGAGTGAGGCTGCAG[G>A]CATTGACGTCTCCTCCCGGCAAAGCTTCCTCGGCTTTGCCCCGCCGCTGCTCGGGACCCT-3'

ClinVar aggregate classification (germline): Uncertain significance (1 of 4 stars; one submission).

Conditions:
Familial adenomatous polyposis 1 (FAP1). Also called: FAMILIAL ADENOMATOUS POLYPOSIS 1, ATTENUATED; POLYPOSIS, ADENOMATOUS INTESTINAL. Identifiers: MedGen C2713442, MONDO:0021056, OMIM 175100. Disease mechanism: loss of function.

Allele frequency attached by ClinVar (database versions not stated): gnomAD 0.00001.

Submission:

Labcorp Genetics (formerly Invitae), Labcorp
Classification: Uncertain significance for Familial adenomatous polyposis 1. Last evaluated: 2024-05-08. Review status: criteria provided, single submitter. Criteria: Invitae Variant Classification Sherloc (09022015). Collection method: clinical testing. Allele origin: germline.
Comment: This variant occurs in a non-coding region of the APC gene. It does not change the encoded amino acid sequence of the APC protein. This variant is not present in population databases (gnomAD no frequency). This variant has not been reported in the literature in individuals affected with APC-related conditions. ClinVar contains an entry for this variant (Variation ID: 469786). Experimental studies and prediction algorithms are not available or were not evaluated, and the functional significance of this variant is currently unknown. In summary, the available evidence is currently insufficient to determine the role of this variant in disease. Therefore, it has been classified as a Variant of Uncertain Significance.